The following is an entry in ClinVar:

ClinVar aggregate classification (germline): Uncertain significance (1 of 4 stars; one submission).

Submission:

Labcorp Genetics (formerly Invitae), Labcorp
Classification: Uncertain significance. Last evaluated: 2024-11-21. Review status: criteria provided, single submitter. Criteria: Invitae Variant Classification Sherloc (09022015). Collection method: clinical testing. Allele origin: germline.
Comment: This sequence change replaces arginine, which is basic and polar, with histidine, which is basic and polar, at codon 288 of the ARHGEF1 protein (p.Arg288His). The frequency data for this variant in the population databases is considered unreliable, as metrics indicate poor data quality at this position in the gnomAD database. This variant has not been reported in the literature in individuals affected with ARHGEF1-related conditions. An algorithm developed to predict the effect of missense changes on protein structure and function (PolyPhen-2) suggests that this variant is likely to be disruptive. In summary, the available evidence is currently insufficient to determine the role of this variant in disease. Therefore, it has been classified as a Variant of Uncertain Significance.

NM_004706.4(ARHGEF1):c.818G>A (p.Arg273His)

Gene: ARHGEF1 (Rho guanine nucleotide exchange factor 1; plus strand). Cytogenetic location: 19q13.2.
Variant type: single nucleotide variant.
Coding change: c.818G>A on transcript NM_004706.4 (MANE Select); coding-DNA position 818, G replaced by A.
Protein change: p.Arg273His; replaces arginine 273 with histidine.
Molecular consequence: missense variant. On other transcripts: non-coding transcript variant (2).
Genome position (GRCh38, 1-based): chr19:41,894,524, G>A. VCF-style: chr19-41894524-G-A. GRCh37 (hg19) VCF-style: chr19-42398597-G-A.
Other names: c.863G>A, p.Arg288His (NM_199002.2); c.719G>A, p.Arg240His (NM_198977.2, NM_001396002.1, NM_001396004.1); c.818G>A, p.Arg273His (NM_001396000.1, NM_001396003.1, NM_001396006.1); short protein forms R288H, R240H, R273H.
Identifiers: ClinVar variation 3700960 (VCV003700960.2).